The following is an entry in ClinVar:

ClinVar aggregate classification (germline): Uncertain significance (1 of 4 stars; one submission).

Conditions:
Cardiovascular phenotype. Identifiers: MedGen CN230736.

Submission:

Ambry Genetics
Classification: Uncertain significance for Cardiovascular phenotype. Last evaluated: 2024-03-05. Review status: criteria provided, single submitter. Criteria: Ambry Variant Classification Scheme 2023. Collection method: clinical testing. Allele origin: germline.
Comment: The p.A520S variant (also known as c.1558G>T), located in coding exon 12 of the MYH6 gene, results from a G to T substitution at nucleotide position 1558. The alanine at codon 520 is replaced by serine, an amino acid with similar properties. This amino acid position is conserved. In addition, the in silico prediction for this alteration is inconclusive. Based on the available evidence, the clinical significance of this alteration remains unclear.

NM_002471.4(MYH6):c.1558G>T (p.Ala520Ser)

Gene: MYH6 (myosin heavy chain 6; minus strand). Cytogenetic location: 14q11.2.
Variant type: single nucleotide variant.
Coding change: c.1558G>T on transcript NM_002471.4 (MANE Select); coding-DNA position 1558, G replaced by T.
Protein change: p.Ala520Ser; replaces alanine 520 with serine.
Molecular consequence: missense variant.
Genome position (GRCh38, 1-based): chr14:23,400,279, C>A on the plus strand (G>T on the coding strand, the complement: MYH6 is on the minus strand). VCF-style: chr14-23400279-C-A. GRCh37 (hg19) VCF-style: chr14-23869488-C-A.
Other names: short protein forms A520S.
Identifiers: ClinVar variation 3222324 (VCV003222324.1), dbSNP rs2502191397, ClinGen allele CA389022273.